The following is an entry in ClinVar:

ClinVar aggregate classification (germline): Uncertain significance (1 of 4 stars; one submission).

Conditions:
TTN-related disorder. Also called: TTN-related condition; TTN-related disease; TTN-related disorders.

gnomAD v4.1: 14 of 1,613,860 alleles (0.00087%); highest among the groups gnomAD compares: Non-Finnish European, 0.0011%; no homozygotes.

Submission:

PreventionGenetics, part of Exact Sciences
Classification: Uncertain significance for TTN-related condition. Last evaluated: 2026-09-14. Review status: criteria provided, single submitter. Criteria: ACMG Guidelines, 2015. Collection method: clinical testing. Allele origin: germline.
Comment: The TTN c.6046G>A variant is predicted to result in the amino acid substitution p.Val2016Met. To our knowledge, this variant has not been reported in the literature. This variant is reported in 0.00088% of alleles in individuals of European (Non-Finnish) descent in gnomAD. At this time, the clinical significance of this variant is uncertain due to the absence of conclusive functional and genetic evidence.

NM_001267550.2(TTN):c.6046G>A (p.Val2016Met)

Gene: TTN (titin; minus strand). Cytogenetic location: 2q31.2.
Variant type: single nucleotide variant.
Coding change: c.6046G>A on transcript NM_001267550.2 (MANE Select); coding-DNA position 6046, G replaced by A.
Protein change: p.Val2016Met; replaces valine 2016 with methionine.
Molecular consequence: missense variant.
Genome position (GRCh38, 1-based): chr2:178,775,818, C>T on the plus strand (G>A on the coding strand, the complement: TTN is on the minus strand). VCF-style: chr2-178775818-C-T. GRCh37 (hg19) VCF-style: chr2-179640545-C-T.
Other names: c.6046G>A, p.Val2016Met (NM_001256850.1, NM_133378.4, NM_133379.5); c.5908G>A, p.Val1970Met (NM_003319.4, NM_133432.3, NM_133437.4); short protein forms V1970M, V2016M.
Identifiers: ClinVar variation 4977081 (VCV004977081.1).
Genomic context (GRCh38, chr2:178,775,818, plus strand): 5'-CTTTTGTCTTCCTGAGGAGTTCCTCATAGGATTCATCCTTCTTTCGAGACTTGAGCTCCA[C>T]AGCGGTAATGGCTTCATAATAGCCCTCTTCTGTTCTGCGCTTGAATTTACTGCGCAGCTC-3'
Protein context (NP_001254479.2, residues 2006-2026): EEGYYEAITA[Val2016Met]ELKSRKKDES